The following is an entry in ClinVar:

ClinVar aggregate classification (germline): Uncertain significance (1 of 4 stars; one submission).

Submission:

Greenwood Genetic Center Diagnostic Laboratories, Greenwood Genetic Center
Classification: Uncertain significance. Last evaluated: 2026-04-28. Review status: criteria provided, single submitter. Criteria: ACMG Guidelines, 2015. Collection method: clinical testing. Allele origin: germline.
Comment: PM2, PP2, PP3

NM_031407.7(HUWE1):c.7976A>G (p.Asp2659Gly)

Gene: HUWE1 (HECT, UBA and WWE domain containing E3 ubiquitin protein ligase 1; minus strand). Cytogenetic location: Xp11.22.
Variant type: single nucleotide variant.
Coding change: c.7976A>G on transcript NM_031407.7 (MANE Select); coding-DNA position 7976, A replaced by G.
Protein change: p.Asp2659Gly; replaces aspartic acid 2659 with glycine.
Molecular consequence: missense variant.
Genome position (GRCh38, 1-based): chrX:53,559,000, T>C on the plus strand (A>G on the coding strand, the complement: HUWE1 is on the minus strand). VCF-style: chrX-53559000-T-C. GRCh37 (hg19) VCF-style: chrX-53585961-T-C.
Other names: c.7973A>G, p.Asp2658Gly (NM_001441058.1, NM_001441048.1, NM_001441051.1 and 2 more transcripts); c.7976A>G, p.Asp2659Gly (NM_001441049.1, NM_001441054.1, NM_001441057.1); c.7997A>G, p.Asp2666Gly (NM_001441050.1, NM_001441055.1); c.7574A>G, p.Asp2525Gly (NM_001441052.1); short protein forms D2525G, D2658G, D2659G, D2666G.
Identifiers: ClinVar variation 4891038 (VCV004891038.1).